The following is an entry in ClinVar:

ClinVar aggregate classification (germline): Likely benign. Review status: reviewed by expert panel (3 of 4 stars). 6 submissions from 6 submitters: Likely benign (1). 5 of the submissions do not count toward it. Last evaluated 2020-06-25.

Conditions:
RASopathy. Also called: rasopathies; Noonan spectrum disorder. Identifiers: Orphanet 536391, MedGen C5555857, MONDO:0021060.
Cardiovascular phenotype. Identifiers: MedGen CN230736.

Allele frequency attached by ClinVar (database versions not stated): TOPMed 0.00003; gnomAD 0.00009; 1000 Genomes Project 0.00040; 1000 Genomes Project 30x 0.00047.
gnomAD v4.1: 28 of 1,613,924 alleles (0.0017%); highest among the groups gnomAD compares: Middle Eastern, 0.033%; no homozygotes.

Submissions (6):

ClinGen RASopathy Variant Curation Expert Panel
Classification: Likely benign for RASopathy. Last evaluated: 2020-06-25. Review status: reviewed by expert panel. Criteria: ClinGen RASopathy ACMG Specifications v1. Collection method: curation. Allele origin: germline. Inheritance: Autosomal dominant inheritance.
Comment: The c.3322G>A (p.Asp1108Asn) variant in SOS1 was present in 0.039% (10/13658 with 95% CI) of Latino alleles in gnomAD v3 (BS1). This variant has been identified in a patient with Noonan syndrome who had an alternate molecular basis for disease (BP5; SCV000966758.1; ClinVar ID: 44603). It was also identified in a homozygous state in an individual who also carried a variant in TRMT1 (BP5 not met; Baylor College of Medicine internal data). In summary, this variant meets criteria to be classified as likely benign. RASopathy-specific ACMG/AMP criteria applied (PMID:29493581): BS1, BP5.

Labcorp Genetics (formerly Invitae), Labcorp
Classification: Likely benign for RASopathy. Last evaluated: 2026-01-17. Review status: criteria provided, single submitter. Criteria: Invitae Variant Classification Sherloc (09022015). Collection method: clinical testing. Allele origin: germline. Not counted in ClinVar's aggregate classification.

Ambry Genetics
Classification: Uncertain significance for Cardiovascular phenotype. Last evaluated: 2025-08-05. Review status: criteria provided, single submitter. Criteria: Ambry Variant Classification Scheme 2023. Collection method: clinical testing. Allele origin: germline. Not counted in ClinVar's aggregate classification.

Women's Health and Genetics/Laboratory Corporation of America, LabCorp
Classification: Uncertain significance. Last evaluated: 2025-06-19. Review status: criteria provided, single submitter. Criteria: LabCorp Variant Classification Summary - May 2015. Collection method: clinical testing. Allele origin: germline. Not counted in ClinVar's aggregate classification.
Comment: Variant summary: SOS1 c.3322G>A (p.Asp1108Asn) results in a conservative amino acid change in the encoded protein sequence. Algorithms developed to predict the effect of missense changes on protein structure and function are either unavailable or do not agree on the potential impact of this missense change. The variant allele was found at a frequency of 2.8e-05 in 250752 control chromosomes, predominantly at a frequency of 0.00012 within the Latino subpopulation in the gnomAD v2 database. The available data on variant occurrences in the general population are insufficient to allow any conclusion about variant significance. To our knowledge, no occurrence of c.3322G>A in individuals affected with Noonan Syndrome and no experimental evidence demonstrating its impact on protein function have been reported. ClinVar contains an entry for this variant (Variation ID: 240197). Based on the evidence outlined above, the variant was classified as uncertain significance for Noonan Syndrome And Related Conditions.

GeneDx
Classification: Likely benign. Last evaluated: 2021-03-22. Review status: criteria provided, single submitter. Criteria: GeneDx Variant Classification Process June 2021. Collection method: clinical testing. Allele origin: germline. Affected: yes. Not counted in ClinVar's aggregate classification.

Laboratory for Molecular Medicine, Mass General Brigham Personalized Medicine
Classification: Uncertain significance. Last evaluated: 2018-05-02. Review status: criteria provided, single submitter. Criteria: LMM Criteria. Collection method: clinical testing. Allele origin: germline. Observed: 1 variant allele. Not counted in ClinVar's aggregate classification.
Comment: The p.Asp1108Asn variant has not been previously reported in individuals with cl inical features of a RASopathy disorder, but has been reported in ClinVar (Varia tion ID: 238770). This variant has been identified in 4/33558 Latino chromosomes by the Genome Aggregation Database (gnomAD; d bSNP rs199856844). Please note that for diseases with clinical variability, redu ced penetrance, or recessive inheritance, pathogenic variants may be present at a low frequency in the general population. Computational prediction tools and co nservation analysis suggest that the p.Asp1108Asn variant may not impact the pro tein, though this information is not predictive enough to rule out pathogenicity . In summary, the clinical significance of the p.Asp1108Asn variant is uncertain . ACMG/AMP Criteria applied: BP4.

NM_005633.4(SOS1):c.3322G>A (p.Asp1108Asn)

Gene: SOS1 (SOS Ras/Rac guanine nucleotide exchange factor 1; minus strand). Cytogenetic location: 2p22.1.
Variant type: single nucleotide variant.
Coding change: c.3322G>A on transcript NM_005633.4 (MANE Select); coding-DNA position 3322, G replaced by A.
Protein change: p.Asp1108Asn; replaces aspartic acid 1108 with asparagine.
Molecular consequence: missense variant.
Genome position (GRCh38, 1-based): chr2:38,995,147, C>T on the plus strand (G>A on the coding strand, the complement: SOS1 is on the minus strand). VCF-style: chr2-38995147-C-T. GRCh37 (hg19) VCF-style: chr2-39222288-C-T.
Other names: c.3301G>A, p.Asp1101Asn (NM_001382394.1); c.3322G>A, p.Asp1108Asn (NM_001382395.1); c.3322G>A (NM_005633.3); short protein forms D1108N, D1101N.
Identifiers: ClinVar variation 240197 (VCV000240197.21), dbSNP rs199856844, ClinGen allele CA1624224.